The following is an entry in ClinVar:

NM_004360.5(CDH1):c.260G>A (p.Arg87Lys)

Gene: CDH1 (cadherin 1; plus strand). Cytogenetic location: 16q22.1.
Variant type: single nucleotide variant.
Coding change: c.260G>A on transcript NM_004360.5 (MANE Select); coding-DNA position 260, G replaced by A.
Protein change: p.Arg87Lys; replaces arginine 87 with lysine.
Molecular consequence: missense variant. On other transcripts: 5 prime UTR variant (2).
Genome position (GRCh38, 1-based): chr16:68,801,766, G>A. VCF-style: chr16-68801766-G-A. GRCh37 (hg19) VCF-style: chr16-68835669-G-A.
Other names: c.260G>A, p.Arg87Lys (NM_001317184.2); c.-1356G>A (NM_001317185.2); c.-1560G>A (NM_001317186.2); c.260G>A (NM_004360.3); short protein forms R87K.
Identifiers: ClinVar variation 921034 (VCV000921034.11), dbSNP rs1960512598, ClinGen allele CA396457259.
Genomic context (GRCh38, chr16:68,801,766, plus strand): 5'-CCTATTTTTCCCTCGACACCCGATTCAAAGTGGGCACAGATGGTGTGATTACAGTCAAAA[G>A]GCCTCTACGGTTTCATAACCCACAGATCCATTTCTTGGTCTACGCCTGGGACTCCACCTA-3'
Protein context (NP_004351.1, residues 77-97): VGTDGVITVK[Arg87Lys]PLRFHNPQIH

ClinVar aggregate classification (germline): Uncertain significance. Review status: criteria provided, multiple submitters, no conflicts (2 of 4 stars). 3 submissions from 3 submitters: Uncertain significance (3). Last evaluated 2026-04-28.

Conditions:
Hereditary cancer-predisposing syndrome. Also called: Hereditary Cancer Syndrome; Neoplastic Syndromes, Hereditary; Tumor predisposition; Hereditary neoplastic syndrome. Identifiers: Orphanet 140162, MedGen C0027672, MeSH D009386, MONDO:0015356.
Hereditary diffuse gastric adenocarcinoma (HDGC). Also called: DIFFUSE GASTRIC AND LOBULAR BREAST CANCER SYNDROME. Identifiers: Orphanet 26106, MedGen C1708349, MONDO:0007648, OMIM 137215.

Submissions (3):

Ambry Genetics
Classification: Uncertain significance for Hereditary cancer-predisposing syndrome. Last evaluated: 2026-04-28. Review status: criteria provided, single submitter. Criteria: Ambry Variant Classification Scheme 2023. Collection method: clinical testing. Allele origin: germline.
Comment: The p.R87K variant (also known as c.260G>A), located in coding exon 3 of the CDH1 gene, results from a G to A substitution at nucleotide position 260. The arginine at codon 87 is replaced by lysine, an amino acid with highly similar properties. This amino acid position is well conserved in available vertebrate species. In addition, this alteration is predicted to be tolerated by in silico analysis. Based on the available evidence, the clinical significance of this variant remains unclear.

Labcorp Genetics (formerly Invitae), Labcorp
Classification: Uncertain significance for Hereditary diffuse gastric adenocarcinoma. Last evaluated: 2021-04-05. Review status: criteria provided, single submitter. Criteria: Invitae Variant Classification Sherloc (09022015). Collection method: clinical testing. Allele origin: germline.
Comment: This sequence change replaces arginine with lysine at codon 87 of the CDH1 protein (p.Arg87Lys). The arginine residue is highly conserved and there is a small physicochemical difference between arginine and lysine. This variant is not present in population databases (ExAC no frequency). In summary, the available evidence is currently insufficient to determine the role of this variant in disease. Therefore, it has been classified as a Variant of Uncertain Significance. Algorithms developed to predict the effect of missense changes on protein structure and function (SIFT, PolyPhen-2, Align-GVGD) all suggest that this variant is likely to be tolerated, but these predictions have not been confirmed by published functional studies and their clinical significance is uncertain. This variant has not been reported in the literature in individuals with CDH1-related conditions. ClinVar contains an entry for this variant (Variation ID: 921034).

Color Diagnostics, LLC DBA Color Health
Classification: Uncertain significance for Hereditary cancer-predisposing syndrome. Last evaluated: 2019-02-12. Review status: criteria provided, single submitter. Criteria: ACMG Guidelines, 2015. Collection method: clinical testing. Allele origin: germline.